The following is an entry in ClinVar:

NM_000222.3(KIT):c.1955A>G (p.Asn652Ser)

Gene: KIT (KIT proto-oncogene, receptor tyrosine kinase; plus strand). Cytogenetic location: 4q12.
Variant type: single nucleotide variant.
Coding change: c.1955A>G on transcript NM_000222.3 (MANE Select); coding-DNA position 1955, A replaced by G.
Protein change: p.Asn652Ser; replaces asparagine 652 with serine.
Molecular consequence: missense variant.
Genome position (GRCh38, 1-based): chr4:54,728,086, A>G. VCF-style: chr4-54728086-A-G. GRCh37 (hg19) VCF-style: chr4-55594252-A-G.
Other names: c.1943A>G, p.Asn648Ser (NM_001093772.2, NM_001385286.1); c.1958A>G, p.Asn653Ser (NM_001385284.1, NM_001385290.1); c.1955A>G, p.Asn652Ser (NM_001385285.1); c.1946A>G, p.Asn649Ser (NM_001385288.1, NM_001385292.1); short protein forms N648S, N649S, N652S, N653S.
Identifiers: ClinVar variation 1057719 (VCV001057719.9), dbSNP rs2109781952, ClinGen allele CA356908734.

ClinVar aggregate classification (germline): Uncertain significance (1 of 4 stars; one submission).

Conditions:
Gastrointestinal stromal tumor. Also called: Gastrointestinal stromal tumor, somatic; Gastrointestinal stroma tumor. Identifiers: Orphanet 44890, MedGen C0238198, MeSH D046152, MONDO:0011719, OMIM 606764, HP:0100723.

Submission:

Labcorp Genetics (formerly Invitae), Labcorp
Classification: Uncertain significance for Gastrointestinal stromal tumor. Last evaluated: 2020-08-24. Review status: criteria provided, single submitter. Criteria: Invitae Variant Classification Sherloc (09022015). Collection method: clinical testing. Allele origin: germline.
Comment: This sequence change replaces asparagine with serine at codon 652 of the KIT protein (p.Asn652Ser). The asparagine residue is highly conserved and there is a small physicochemical difference between asparagine and serine. This variant is not present in population databases (ExAC no frequency). This variant has not been reported in the literature in individuals with KIT-related conditions. Algorithms developed to predict the effect of missense changes on protein structure and function (SIFT, PolyPhen-2, Align-GVGD) all suggest that this variant is likely to be disruptive, but these predictions have not been confirmed by published functional studies and their clinical significance is uncertain. In summary, the available evidence is currently insufficient to determine the role of this variant in disease. Therefore, it has been classified as a Variant of Uncertain Significance.